The following is an entry in ClinVar:

ClinVar aggregate classification (germline): Uncertain significance (1 of 4 stars; one submission).

Conditions:
Alagille syndrome due to a JAG1 point mutation. Also called: JAG1-Related Alagille Syndrome; Alagille Syndrome 1; HEPATIC DUCTULAR HYPOPLASIA, SYNDROMATIC. Identifiers: Orphanet 261619, Orphanet 52, MedGen C1956125, MONDO:0016862, OMIM 118450.

Submission:

Labcorp Genetics (formerly Invitae), Labcorp
Classification: Uncertain significance for Alagille syndrome due to a JAG1 point mutation. Last evaluated: 2022-10-07. Review status: criteria provided, single submitter. Criteria: Invitae Variant Classification Sherloc (09022015). Collection method: clinical testing. Allele origin: germline.
Comment: This variant has not been reported in the literature in individuals affected with JAG1-related conditions. Algorithms developed to predict the effect of missense changes on protein structure and function (SIFT, PolyPhen-2, Align-GVGD) all suggest that this variant is likely to be disruptive. In summary, the available evidence is currently insufficient to determine the role of this variant in disease. Therefore, it has been classified as a Variant of Uncertain Significance. This sequence change replaces glycine, which is neutral and non-polar, with valine, which is neutral and non-polar, at codon 216 of the JAG1 protein (p.Gly216Val). This variant is not present in population databases (gnomAD no frequency).

NM_000214.3(JAG1):c.647G>T (p.Gly216Val)

Gene: JAG1 (jagged canonical Notch ligand 1; minus strand). Cytogenetic location: 20p12.2.
Variant type: single nucleotide variant.
Coding change: c.647G>T on transcript NM_000214.3 (MANE Select); coding-DNA position 647, G replaced by T.
Protein change: p.Gly216Val; replaces glycine 216 with valine.
Molecular consequence: missense variant.
Genome position (GRCh38, 1-based): chr20:10,658,515, C>A on the plus strand (G>T on the coding strand, the complement: JAG1 is on the minus strand). VCF-style: chr20-10658515-C-A. GRCh37 (hg19) VCF-style: chr20-10639163-C-A.
Other names: short protein forms G216V.
Identifiers: ClinVar variation 2807872 (VCV002807872.3), dbSNP rs2514526454, ClinGen allele CA408239994.